The following is an entry in ClinVar:

NM_001081.4(CUBN):c.10846G>A (p.Ala3616Thr)

Gene: CUBN (cubilin; minus strand). Cytogenetic location: 10p13.
Variant type: single nucleotide variant.
Coding change: c.10846G>A on transcript NM_001081.4 (MANE Select); coding-DNA position 10846, G replaced by A.
Protein change: p.Ala3616Thr; replaces alanine 3616 with threonine.
Molecular consequence: missense variant.
Genome position (GRCh38, 1-based): chr10:16,825,001, C>T on the plus strand (G>A on the coding strand, the complement: CUBN is on the minus strand). VCF-style: chr10-16825001-C-T. GRCh37 (hg19) VCF-style: chr10-16867000-C-T.
Other names: short protein forms A3616T.
Identifiers: ClinVar variation 299355 (VCV000299355.14), dbSNP rs564429505, ClinGen allele CA5422271.

ClinVar aggregate classification (germline): Uncertain significance. Review status: criteria provided, multiple submitters, no conflicts (2 of 4 stars). 3 submissions from 3 submitters: Uncertain significance (3). Last evaluated 2026-08-06.

Conditions:
Imerslund-Grasbeck syndrome. Also called: Imerslund-Gräsbeck syndrome; Megaloblastic anemia due to inborn errors of metabolism; ENTEROCYTE COBALAMIN MALABSORPTION; ENTEROCYTE INTRINSIC FACTOR RECEPTOR, DEFECT OF; PERNICIOUS ANEMIA, JUVENILE, DUE TO SELECTIVE INTESTINAL MALABSORPTION OF VITAMIN B12, WITH PROTEINURIA. Identifiers: Orphanet 35858, MedGen C4551825, MONDO:0009853.
Imerslund-Grasbeck syndrome type 1 (IGS1). Also called: Imerslund-Gräsbeck syndrome 1; Megaloblastic anemia 1, Finnish type; MEGALOBLASTIC ANEMIA, 1. Identifiers: MedGen C4016819, MONDO:0100156, OMIM 261100.

Allele frequency attached by ClinVar (database versions not stated): TOPMed below 0.00001; gnomAD 0.00001; 1000 Genomes Project 30x 0.00031; 1000 Genomes Project 0.00020.
gnomAD v4.1: 56 of 1,613,422 alleles (0.0035%); highest among the groups gnomAD compares: South Asian, 0.023%; no homozygotes.

Submissions (3):

OLLIN Analises Genomicas, OLLIN
Classification: Uncertain significance for Imerslund-Grasbeck syndrome type 1. Last evaluated: 2026-08-06. Review status: criteria provided, single submitter. Criteria: ACMG Guidelines 2015 PMID 25741868. Collection method: clinical testing. Allele origin: germline. Inheritance: Autosomal recessive inheritance.
Comment: This missense variant, located in exon 67 (of 67), has been reported in ClinVar (accession VCV000299355.13) and in gnomAD with an allele frequency of 0.0035%. However, to our knowledge, it has not been reported in the scientific literature. In silico analysis predicts that this variant has a tolerated effect. According to the currently available evidence, this variant has been classified as uncertain significance (PM2_P, BP4).

Labcorp Genetics (formerly Invitae), Labcorp
Classification: Uncertain significance for Imerslund-Grasbeck syndrome. Last evaluated: 2022-02-10. Review status: criteria provided, single submitter. Criteria: Invitae Variant Classification Sherloc (09022015). Collection method: clinical testing. Allele origin: germline.
Comment: This variant is present in population databases (rs564429505, gnomAD 0.05%). In summary, the available evidence is currently insufficient to determine the role of this variant in disease. Therefore, it has been classified as a Variant of Uncertain Significance. Algorithms developed to predict the effect of missense changes on protein structure and function are either unavailable or do not agree on the potential impact of this missense change (SIFT: "Deleterious"; PolyPhen-2: "Benign"; Align-GVGD: "Class C0"). ClinVar contains an entry for this variant (Variation ID: 299355). This variant has not been reported in the literature in individuals affected with CUBN-related conditions. This sequence change replaces alanine, which is neutral and non-polar, with threonine, which is neutral and polar, at codon 3616 of the CUBN protein (p.Ala3616Thr).

Illumina Laboratory Services, Illumina
Classification: Uncertain significance for Imerslund-Grasbeck syndrome type 1. Last evaluated: 2018-01-13. Review status: criteria provided, single submitter. Criteria: ICSL Variant Classification Criteria 13 December 2019. Collection method: clinical testing. Allele origin: germline.